The following is an entry in ClinVar:

NM_000271.5(NPC1):c.3689T>C (p.Leu1230Ser)

Gene: NPC1 (NPC intracellular cholesterol transporter 1; minus strand). Cytogenetic location: 18q11.2.
Variant type: single nucleotide variant.
Coding change: c.3689T>C on transcript NM_000271.5 (MANE Select); coding-DNA position 3689, T replaced by C.
Protein change: p.Leu1230Ser; replaces leucine 1230 with serine.
Molecular consequence: missense variant.
Genome position (GRCh38, 1-based): chr18:23,533,420, A>G on the plus strand (T>C on the coding strand, the complement: NPC1 is on the minus strand). VCF-style: chr18-23533420-A-G. GRCh37 (hg19) VCF-style: chr18-21113384-A-G.
Other names: short protein forms L1230S.
Identifiers: ClinVar variation 1696118 (VCV001696118.19), dbSNP rs374150662, ClinGen allele CA8912683.

ClinVar aggregate classification (germline): Uncertain significance. Review status: criteria provided, multiple submitters, no conflicts (2 of 4 stars). 6 submissions from 6 submitters: Uncertain significance (6). Last evaluated 2025-04-23.

Conditions:
NPC1-related disorder. Also called: NPC1-related condition.
Niemann-Pick disease, type C1. Also called: NEUROVISCERAL STORAGE DISEASE WITH VERTICAL SUPRANUCLEAR OPHTHALMOPLEGIA; NIEMANN-PICK DISEASE WITH CHOLESTEROL ESTERIFICATION BLOCK; NIEMANN-PICK DISEASE WITHOUT SPHINGOMYELINASE DEFICIENCY; NIEMANN-PICK DISEASE, CHRONIC NEURONOPATHIC FORM; NIEMANN-PICK DISEASE, VARIANT TYPE C1. Identifiers: Orphanet 646, MedGen C3179455, MONDO:0009757, OMIM 257220.

Allele frequency attached by ClinVar (database versions not stated): gnomAD exomes 0.00002; ExAC 0.00003; gnomAD 0.00003 and 0.00004; TOPMed 0.00003; ESP Exome Variant Server 0.00008.

Submissions (6):

PreventionGenetics, part of Exact Sciences
Classification: Uncertain significance for NPC1-related condition. Last evaluated: 2025-04-23. Review status: criteria provided, single submitter. Criteria: ACMG Guidelines, 2015. Collection method: clinical testing. Allele origin: germline.
Comment: The NPC1 c.3689T>C variant is predicted to result in the amino acid substitution p.Leu1230Ser. This variant was reported in an individual with High HDL cholesterol (Sadananda et al. 2015. PubMed ID: 26255038). This variant is reported in 0.0053% of alleles in individuals of European (Non-Finnish) descent in gnomAD. At this time, the clinical significance of this variant is uncertain due to the absence of conclusive functional and genetic evidence.

CeGaT Center for Human Genetics Tuebingen
Classification: Uncertain significance. Last evaluated: 2025-01-01. Review status: criteria provided, single submitter. Criteria: CeGaT Center For Human Genetics Tuebingen Variant Classification Criteria Version 2. Collection method: clinical testing. Allele origin: germline. Affected: yes. Observed: 1 variant allele.
Comment: NPC1: PM2, PP3

GeneDx
Classification: Uncertain significance. Last evaluated: 2024-08-28. Review status: criteria provided, single submitter. Criteria: GeneDx Variant Classification Process June 2021. Collection method: clinical testing. Allele origin: germline. Affected: yes.
Comment: Observed as heterozygous variant in at least one patient with high HDL-C levels; however, additional pathogenic variants were identified and it is unclear if they co-occurred with this variant in any patients (PMID: 26255038); Not observed at significant frequency in large population cohorts (gnomAD); In silico analysis supports that this missense variant has a deleterious effect on protein structure/function; This variant is associated with the following publications: (PMID: 26338816, 25764212, 26255038)

Labcorp Genetics (formerly Invitae), Labcorp
Classification: Uncertain significance for Niemann-Pick disease, type C1. Last evaluated: 2022-06-13. Review status: criteria provided, single submitter. Criteria: Invitae Variant Classification Sherloc (09022015). Collection method: clinical testing. Allele origin: germline.
Comment: This sequence change replaces leucine, which is neutral and non-polar, with serine, which is neutral and polar, at codon 1230 of the NPC1 protein (p.Leu1230Ser). This variant is present in population databases (rs374150662, gnomAD 0.005%). This variant has not been reported in the literature in individuals affected with NPC1-related conditions. Advanced modeling of protein sequence and biophysical properties (such as structural, functional, and spatial information, amino acid conservation, physicochemical variation, residue mobility, and thermodynamic stability) performed at Invitae indicates that this missense variant is expected to disrupt NPC1 protein function. In summary, the available evidence is currently insufficient to determine the role of this variant in disease. Therefore, it has been classified as a Variant of Uncertain Significance.

Women's Health and Genetics/Laboratory Corporation of America, LabCorp
Classification: Uncertain significance. Last evaluated: 2022-05-11. Review status: criteria provided, single submitter. Criteria: LabCorp Variant Classification Summary - May 2015. Collection method: clinical testing. Allele origin: germline.
Comment: Variant summary: NPC1 c.3689T>C (p.Leu1230Ser) results in a non-conservative amino acid change in the encoded protein sequence. Five of five in-silico tools predict a damaging effect of the variant on protein function. The variant allele was found at a frequency of 2.4e-05 in 251464 control chromosomes (gnomAD). The available data on variant occurrences in the general population are insufficient to allow any conclusion about variant significance. c.3689T>C has been reported in the literature in individuals affected with extremely low HDL cholesterol (Sadananda_2015) and unexplained early onset ataxia (Synofzik_2015). These reports do not provide unequivocal conclusions about association of the variant with Niemann-Pick Disease Type C. To our knowledge, no experimental evidence demonstrating an impact on protein function has been reported. No clinical diagnostic laboratories have submitted clinical-significance assessments for this variant to ClinVar after 2014. Based on the evidence outlined above, the variant was classified as uncertain significance.

Fulgent Genetics
Classification: Uncertain significance for Niemann-Pick disease, type C1. Last evaluated: 2021-11-18. Review status: criteria provided, single submitter. Criteria: ACMG Guidelines, 2015. Collection method: clinical testing. Allele origin: unknown.

Literature cited by the submitters: PubMed 26255038 (cited by Women's Health and Genetics/Laboratory Corporation of America, LabCorp); PubMed 26338816 (cited by Women's Health and Genetics/Laboratory Corporation of America, LabCorp).